The following is an entry in ClinVar:

ClinVar aggregate classification (germline): Benign (1 of 4 stars; one submission).

Conditions:
Doyne honeycomb retinal dystrophy (DHRD). Also called: DOYNE HONEYCOMB DEGENERATION OF RETINA; MALATTIA LEVENTINESE; DRUSEN, RADIAL, AUTOSOMAL DOMINANT. Identifiers: Orphanet 75376, MedGen C1832174, MONDO:0007471, OMIM 126600.

Allele frequency attached by ClinVar (database versions not stated): gnomAD 0.00522 and 0.00564; 1000 Genomes Project 0.00539; 1000 Genomes Project 30x 0.00547; TOPMed 0.00594.

Submission:

Illumina Laboratory Services, Illumina
Classification: Benign for Doyne honeycomb retinal dystrophy. Last evaluated: 2018-01-12. Review status: criteria provided, single submitter. Criteria: ICSL Variant Classification Criteria 13 December 2019. Collection method: clinical testing. Allele origin: germline.
Comment: This variant was observed in the ICSL laboratory as part of a predisposition screen in an ostensibly healthy population. It had not been previously curated by ICSL or reported in the Human Gene Mutation Database (HGMD: prior to June 1st, 2018), and was therefore a candidate for classification through an automated scoring system. Utilizing variant allele frequency, disease prevalence and penetrance estimates, and inheritance mode, an automated score was calculated to assess if this variant is too frequent to cause the disease. Based on the score and internal cut-off values, a variant classified as benign is not then subjected to further curation. The score for this variant resulted in a classification of benign for this disease.

NM_001039348.3(EFEMP1):c.*800C>T

Gene: EFEMP1 (EGF-like fibulin extracellular matrix protein 1; minus strand). Cytogenetic location: 2p16.1.
Variant type: single nucleotide variant.
Coding change: c.*800C>T on transcript NM_001039348.3 (MANE Select); 800 bases downstream of the stop codon, C replaced by T.
Molecular consequence: 3 prime UTR variant.
Genome position (GRCh38, 1-based): chr2:55,866,273, G>A on the plus strand (C>T on the coding strand, the complement: EFEMP1 is on the minus strand). VCF-style: chr2-55866273-G-A. GRCh37 (hg19) VCF-style: chr2-56093408-G-A.
Other names: c.*800C>T (NM_001039349.3).
Identifiers: ClinVar variation 336611 (VCV000336611.5), dbSNP rs146101049, ClinGen allele CA10614164.